The following is an entry in ClinVar:

ClinVar aggregate classification (germline): Uncertain significance. Review status: criteria provided, multiple submitters, no conflicts (2 of 4 stars). 3 submissions from 3 submitters: Uncertain significance (3). Last evaluated 2025-11-04.

Conditions:
Inborn genetic diseases. Identifiers: MedGen C0950123, MeSH D030342.
MECOM-related disorder. Also called: MECOM-related condition.

Allele frequency attached by ClinVar (database versions not stated): TOPMed below 0.00001; gnomAD 0.00001; ExAC 0.00006.
gnomAD v4.1: 86 of 1,613,740 alleles (0.0053%); highest among the groups gnomAD compares: East Asian, 0.19%; no homozygotes.

Submissions (3):

PreventionGenetics, part of Exact Sciences
Classification: Uncertain significance for MECOM-related condition. Last evaluated: 2025-11-04. Review status: criteria provided, single submitter. Criteria: ACMG Guidelines, 2015. Collection method: clinical testing. Allele origin: germline.
Comment: The MECOM c.3103A>T variant is predicted to result in the amino acid substitution p.Ile1035Phe. To our knowledge, this variant has not been reported in the literature. This variant is reported in 0.044% of alleles in individuals of East Asian descent in gnomAD. Although we suspect that this variant may be benign, at this time, the clinical significance of this variant is uncertain due to the absence of conclusive functional and genetic evidence.

Labcorp Genetics (formerly Invitae), Labcorp
Classification: Uncertain significance. Last evaluated: 2025-09-01. Review status: criteria provided, single submitter. Criteria: Invitae Variant Classification Sherloc (09022015). Collection method: clinical testing. Allele origin: germline.
Comment: This sequence change replaces isoleucine, which is neutral and non-polar, with phenylalanine, which is neutral and non-polar, at codon 847 of the MECOM protein (p.Ile847Phe). This variant is present in population databases (rs778355951, gnomAD 0.05%). This variant has not been reported in the literature in individuals affected with MECOM-related conditions. ClinVar contains an entry for this variant (Variation ID: 2920396). An algorithm developed to predict the effect of missense changes on protein structure and function (PolyPhen-2) suggests that this variant is likely to be disruptive. In summary, the available evidence is currently insufficient to determine the role of this variant in disease. Therefore, it has been classified as a Variant of Uncertain Significance.

Ambry Genetics
Classification: Uncertain significance for Inborn genetic diseases. Last evaluated: 2024-11-28. Review status: criteria provided, single submitter. Criteria: Ambry Variant Classification Scheme 2023. Collection method: clinical testing. Allele origin: germline.
Comment: The p.I1035F variant (also known as c.3103A>T), located in coding exon 14 of the MECOM gene, results from an A to T substitution at nucleotide position 3103. The isoleucine at codon 1035 is replaced by phenylalanine, an amino acid with highly similar properties. This amino acid position is conserved. In addition, the in silico prediction for this alteration is inconclusive. Based on the available evidence, the clinical significance of this variant remains unclear.

NM_004991.4(MECOM):c.3103A>T (p.Ile1035Phe)

Gene: MECOM (MDS1 and EVI1 complex locus; minus strand). Cytogenetic location: 3q26.2.
Variant type: single nucleotide variant.
Coding change: c.3103A>T on transcript NM_004991.4 (MANE Select); coding-DNA position 3103, A replaced by T.
Protein change: p.Ile1035Phe; replaces isoleucine 1035 with phenylalanine.
Molecular consequence: missense variant.
Genome position (GRCh38, 1-based): chr3:169,093,019, T>A on the plus strand (A>T on the coding strand, the complement: MECOM is on the minus strand). VCF-style: chr3-169093019-T-A. GRCh37 (hg19) VCF-style: chr3-168810807-T-A.
Other names: c.3103A>T (NM_004991.3); c.2734A>T, p.Ile912Phe (NM_001105077.4); c.2539A>T, p.Ile847Phe (NM_001105078.4, NM_001205194.2, NM_001366469.2 and 1 more transcripts); c.2515A>T, p.Ile839Phe (NM_001163999.2, NM_001366470.2); c.2512A>T, p.Ile838Phe (NM_001164000.2, NM_001366471.2, NM_001366472.2); c.3076A>T, p.Ile1026Phe (NM_001366466.2); c.2542A>T, p.Ile848Phe (NM_001366467.2, NM_001366468.2); c.2104A>T, p.Ile702Phe (NM_001366473.2); and 1 more; short protein forms I702F, I839F, I912F, I1026F, I1035F, I847F, I848F, I514F.
Identifiers: ClinVar variation 2920396 (VCV002920396.5), dbSNP rs778355951, ClinGen allele CA2695984.